The following is an entry in ClinVar:

NM_024422.6(DSC2):c.255T>C (p.Ile85=)

Gene: DSC2 (desmocollin 2; minus strand). Cytogenetic location: 18q12.1.
Variant type: single nucleotide variant.
Coding change: c.255T>C on transcript NM_024422.6 (MANE Select); coding-DNA position 255, T replaced by C.
Protein change: p.Ile85=; no amino-acid change (isoleucine 85 retained).
Molecular consequence: synonymous variant. On other transcripts: 5 prime UTR variant (2).
Genome position (GRCh38, 1-based): chr18:31,092,200, A>G on the plus strand (T>C on the coding strand, the complement: DSC2 is on the minus strand). VCF-style: chr18-31092200-A-G. GRCh37 (hg19) VCF-style: chr18-28672163-A-G.
Other names: c.-175T>C (NM_001406506.1, NM_001406507.1); c.255T>C, p.Ile85= (NM_004949.5).
Identifiers: ClinVar variation 2051333 (VCV002051333.5), dbSNP rs970871881, ClinGen allele CA503391000.

ClinVar aggregate classification (germline): Likely benign. Review status: criteria provided, multiple submitters, no conflicts (2 of 4 stars). 2 submissions from 2 submitters: Likely benign (2). Last evaluated 2025-02-06.

Conditions:
Familial isolated arrhythmogenic right ventricular dysplasia. Identifiers: Orphanet 217656, MedGen C4274968, MONDO:0016342.
Arrhythmogenic right ventricular dysplasia 11. Also called: Arrhythmogenic Right Ventricular Dysplasia/Cardiomyopathy11; ARRHYTHMOGENIC RIGHT VENTRICULAR DYSPLASIA, FAMILIAL, 11; Arrhythmogenic right ventricular dysplasia 11 with mild palmoplantar keratoderma and woolly hair. Identifiers: MedGen C1864850, MONDO:0012506, OMIM 610476.

Allele frequency attached by ClinVar (database versions not stated): gnomAD exomes below 0.00001.
gnomAD v4.1: 3 of 1,613,774 alleles (0.00019%); highest among the groups gnomAD compares: Non-Finnish European, 0.00025%; no homozygotes.

Submissions (2):

Labcorp Genetics (formerly Invitae), Labcorp
Classification: Likely benign for Arrhythmogenic right ventricular dysplasia 11. Last evaluated: 2025-02-06. Review status: criteria provided, single submitter. Criteria: Invitae Variant Classification Sherloc (09022015). Collection method: clinical testing. Allele origin: germline.

All of Us Research Program, National Institutes of Health
Classification: Likely benign for Familial isolated arrhythmogenic right ventricular dysplasia. Last evaluated: 2023-03-28. Review status: criteria provided, single submitter. Criteria: ACMG Guidelines, 2015. Collection method: clinical testing. Allele origin: germline. Inheritance: Autosomal dominant inheritance. Observed: 2 variant alleles, 2 heterozygotes.
Comment: This study involves interpretation of variants in research participants for the purpose of population health screening. Participant phenotype was not available at the time of variant classification. Additional details can be found in publication PMID: 35346344, PMCID: PMC8962531